The following is an entry in ClinVar:

NM_001148.6(ANK2):c.2592T>C (p.Pro864=)

Gene: ANK2 (ankyrin 2; plus strand). Cytogenetic location: 4q26.
Variant type: single nucleotide variant.
Coding change: c.2592T>C on transcript NM_001148.6 (MANE Select); coding-DNA position 2592, T replaced by C.
Protein change: p.Pro864=; no amino-acid change (proline 864 retained).
Molecular consequence: synonymous variant.
Genome position (GRCh38, 1-based): chr4:113,311,298, T>C. VCF-style: chr4-113311298-T-C. GRCh37 (hg19) VCF-style: chr4-114232454-T-C.
Other names: p.P864P:CCT>CCC; c.2529T>C, p.Pro843= (NM_001127493.3, NM_001354239.2, NM_001354243.2 and 10 more transcripts); c.2592T>C, p.Pro864= (NM_001354225.2, NM_001354228.2, NM_001354232.2 and 6 more transcripts); c.2637T>C, p.Pro879= (NM_001354230.2, NM_001354231.2, NM_001354237.2 and 5 more transcripts); c.2493T>C, p.Pro831= (NM_001354245.2, NM_001354268.2); c.2505T>C, p.Pro835= (NM_001354249.2, NM_001354264.2, NM_001354266.2 and 10 more transcripts); c.2430T>C, p.Pro810= (NM_001354253.2, NM_001354257.2, NM_001354270.2 and 1 more transcripts); c.2406T>C, p.Pro802= (NM_001354260.2, NM_001354271.2, NM_001386151.1); and 10 more.
Identifiers: ClinVar variation 136387 (VCV000136387.22), dbSNP rs138641014, ClinGen allele CA289443.

ClinVar aggregate classification (germline): Benign/Likely benign. Review status: criteria provided, multiple submitters, no conflicts (2 of 4 stars). 8 submissions from 8 submitters: Benign (3); Likely benign (4). 1 of the submissions does not count toward it. Last evaluated 2025-12-29.

Conditions:
ANK2-related disorder. Also called: ANK2-related condition.
Cardiovascular phenotype. Identifiers: MedGen CN230736.
Long QT syndrome (LQTS). Identifiers: MedGen C0023976, MeSH D008133, MONDO:0002442. Disease mechanism: loss of function. Inheritance: Various modes of inheritance.
Cardiac arrhythmia, ankyrin-B-related. Also called: ANKYRIN-B SYNDROME. Identifiers: Orphanet 101016, Orphanet 768, MedGen C1970119, MONDO:0010958, OMIM 600919.

Allele frequency attached by ClinVar (database versions not stated): gnomAD exomes 0.00027 and 0.00050; ExAC 0.00045; ESP Exome Variant Server 0.00008; gnomAD 0.00015 and 0.00021; TOPMed 0.00018.
gnomAD v4.1: 428 of 1,614,130 alleles (0.027%); highest among the groups gnomAD compares: South Asian, 0.18%; 3 homozygotes.

Submissions (8):

Labcorp Genetics (formerly Invitae), Labcorp
Classification: Benign for Long QT syndrome. Last evaluated: 2025-12-29. Review status: criteria provided, single submitter. Criteria: Invitae Variant Classification Sherloc (09022015). Collection method: clinical testing. Allele origin: germline.

Blueprint Genetics
Classification: Likely benign. Last evaluated: 2024-10-18. Review status: criteria provided, single submitter. Criteria: ACMG Guidelines, 2015. Collection method: clinical testing. Allele origin: germline.

Genome-Nilou Lab
Classification: Benign for Cardiac arrhythmia, ankyrin-B-related. Last evaluated: 2021-12-05. Review status: criteria provided, single submitter. Criteria: ACMG Guidelines, 2015. Collection method: clinical testing. Allele origin: germline. Affected: no.

Illumina Laboratory Services, Illumina
Classification: Likely benign for Cardiac arrhythmia, ankyrin-B-related. Last evaluated: 2018-01-12. Review status: criteria provided, single submitter. Criteria: ICSL Variant Classification Criteria 13 December 2019. Collection method: clinical testing. Allele origin: germline.
Comment: This variant was observed in the ICSL laboratory as part of a predisposition screen in an ostensibly healthy population. It had not been previously curated by ICSL or reported in the Human Gene Mutation Database (HGMD: prior to June 1st, 2018), and was therefore a candidate for classification through an automated scoring system. Utilizing variant allele frequency, disease prevalence and penetrance estimates, and inheritance mode, an automated score was calculated to assess if this variant is too frequent to cause the disease. Based on the score and internal cut-off values, a variant classified as likely benign is not then subjected to further curation. The score for this variant resulted in a classification of likely benign for this disease.

Ambry Genetics
Classification: Likely benign for Cardiovascular phenotype. Last evaluated: 2016-08-09. Review status: criteria provided, single submitter. Criteria: Ambry Variant Classification Scheme 2023. Collection method: clinical testing. Allele origin: germline.

GeneDx
Classification: Benign. Last evaluated: 2014-06-02. Review status: criteria provided, single submitter. Criteria: GeneDx Variant Classification (06012015). Collection method: clinical testing. Allele origin: germline. Affected: yes.
Comment: This variant is considered likely benign or benign based on one or more of the following criteria: it is a conservative change, it occurs at a poorly conserved position in the protein, it is predicted to be benign by multiple in silico algorithms, and/or has population frequency not consistent with disease.

Breakthrough Genomics
Classification: Likely benign. Review status: criteria provided, single submitter. Criteria: ACMG Guidelines, 2015. Collection method: not provided. Allele origin: germline. Inheritance: Autosomal dominant inheritance. Affected: yes.

PreventionGenetics, part of Exact Sciences
Classification: Likely benign for ANK2-related condition. Last evaluated: 2024-09-03. Review status: no assertion criteria provided. Collection method: clinical testing. Allele origin: germline. Not counted in ClinVar's aggregate classification.
Comment: This variant is classified as likely benign based on ACMG/AMP sequence variant interpretation guidelines (Richards et al. 2015 PMID: 25741868, with internal and published modifications).